The following is an entry in ClinVar:

NM_000815.5(GABRD):c.433C>T (p.Arg145Trp)

Gene: GABRD (gamma-aminobutyric acid type A receptor subunit delta; plus strand). Cytogenetic location: 1p36.33.
Variant type: single nucleotide variant.
Coding change: c.433C>T on transcript NM_000815.5 (MANE Select); coding-DNA position 433, C replaced by T.
Protein change: p.Arg145Trp; replaces arginine 145 with tryptophan.
Molecular consequence: missense variant.
Genome position (GRCh38, 1-based): chr1:2,025,701, C>T. VCF-style: chr1-2025701-C-T. GRCh37 (hg19) VCF-style: chr1-1957140-C-T.
Other names: short protein forms R145W.
Identifiers: ClinVar variation 5022120 (VCV005022120.1).

ClinVar aggregate classification (germline): Uncertain significance (1 of 4 stars; one submission).

Conditions:
Inborn genetic diseases. Identifiers: MedGen C0950123, MeSH D030342.

Submission:

Ambry Genetics
Classification: Uncertain significance for Inborn genetic diseases. Last evaluated: 2026-07-28. Review status: criteria provided, single submitter. Criteria: Ambry Variant Classification Scheme 2023. Collection method: clinical testing. Allele origin: germline.
Comment: The c.433C>T (p.R145W) alteration is located in exon 4 (coding exon 4) of the GABRD gene. This alteration results from a C to T substitution at nucleotide position 433, causing the arginine (R) at amino acid position 145 to be replaced by a tryptophan (W). Based on data from gnomAD, the T allele has an overall frequency of <0.001% (1/249954) total alleles studied. The highest observed frequency was 0.006% (1/16130) of African alleles. Based on insufficient or conflicting evidence, the clinical significance of this alteration remains unclear.